The following is an entry in ClinVar:

NM_018010.4(IFT57):c.5C>G (p.Thr2Ser)

Gene: IFT57 (intraflagellar transport 57; minus strand). Cytogenetic location: 3q13.13.
Variant type: single nucleotide variant.
Coding change: c.5C>G on transcript NM_018010.4 (MANE Select); coding-DNA position 5, C replaced by G.
Protein change: p.Thr2Ser; replaces threonine 2 with serine.
Molecular consequence: missense variant.
Genome position (GRCh38, 1-based): chr3:108,222,318, G>C on the plus strand (C>G on the coding strand, the complement: IFT57 is on the minus strand). VCF-style: chr3-108222318-G-C. GRCh37 (hg19) VCF-style: chr3-107941165-G-C.
Other names: short protein forms T2S.
Identifiers: ClinVar variation 2016671 (VCV002016671.4), dbSNP rs1258922836, ClinGen allele CA353912701.
Genomic context (GRCh38, chr3:108,222,318, plus strand): 5'-CCACGGGACCTAGGCACCCCATCTTCCAAACCCGACGTCGTGACGACGGCCAGAGCAGCA[G>C]TCATCGCAGAACGGACAGAGTCCAGCGTGGGCTCAGGCCCACAGACCTCTGCGGCCTAAG-3'
Protein context (NP_060480.1, residues 1-12): M[Thr2Ser]AALAVVTTSG

ClinVar aggregate classification (germline): Uncertain significance (1 of 4 stars; one submission).

Allele frequency attached by ClinVar (database versions not stated): TOPMed below 0.00001; gnomAD 0.00001.
gnomAD v4.1: 5 of 1,609,942 alleles (0.00031%); highest among the groups gnomAD compares: African/African-American, 0.0067%; no homozygotes.

Submission:

Labcorp Genetics (formerly Invitae), Labcorp
Classification: Uncertain significance. Last evaluated: 2022-07-13. Review status: criteria provided, single submitter. Criteria: Invitae Variant Classification Sherloc (09022015). Collection method: clinical testing. Allele origin: germline.
Comment: This sequence change replaces threonine, which is neutral and polar, with serine, which is neutral and polar, at codon 2 of the IFT57 protein (p.Thr2Ser). In summary, the available evidence is currently insufficient to determine the role of this variant in disease. Therefore, it has been classified as a Variant of Uncertain Significance. Algorithms developed to predict the effect of missense changes on protein structure and function output the following: SIFT: "Tolerated"; PolyPhen-2: "Benign"; Align-GVGD: "Class C0". The serine amino acid residue is found in multiple mammalian species, which suggests that this missense change does not adversely affect protein function. This variant has not been reported in the literature in individuals affected with IFT57-related conditions. This variant is not present in population databases (gnomAD no frequency).